The following is an entry in ClinVar:

ClinVar aggregate classification (germline): Uncertain significance (1 of 4 stars; one submission).

Submission:

Mayo Clinic Laboratories, Mayo Clinic
Classification: Uncertain significance. Last evaluated: 2024-12-24. Review status: criteria provided, single submitter. Criteria: ACMG Guidelines, 2015. Collection method: clinical testing. Allele origin: germline. Observed: 1 variant allele.
Comment: BP4_moderate, PM2_supporting

NM_022437.3(ABCG8):c.989G>A (p.Arg330His)

Gene: ABCG8 (ATP binding cassette subfamily G member 8; plus strand). Cytogenetic location: 2p21.
Variant type: single nucleotide variant.
Coding change: c.989G>A on transcript NM_022437.3 (MANE Select); coding-DNA position 989, G replaced by A.
Protein change: p.Arg330His; replaces arginine 330 with histidine.
Molecular consequence: missense variant.
Genome position (GRCh38, 1-based): chr2:43,872,000, G>A. VCF-style: chr2-43872000-G-A. GRCh37 (hg19) VCF-style: chr2-44099139-G-A.
Other names: p.Arg330His; c.989G>A, p.Arg330His (NM_001357321.2); short protein forms R330H.
Identifiers: ClinVar variation 4540641 (VCV004540641.1).
Genomic context (GRCh38, chr2:43,872,000, plus strand): 5'-ACAGGCCACCTGTGACTCCACATCCCCTGCTTGCAGTGGACCTGACCAGCATTGACAGGC[G>A]CAGCAGAGAGCAGGAATTGGCCACCAGGGAGAAGGCTCAGTCACTCGCAGCCCTGTTTCT-3'
Protein context (NP_071882.1, residues 320-340): FYVDLTSIDR[Arg330His]SREQELATRE